The following is an entry in ClinVar:

ClinVar aggregate classification (germline): Uncertain significance (1 of 4 stars; one submission).

Conditions:
Bardet-Biedl syndrome (BBS). Identifiers: Orphanet 110, MedGen C0752166, MONDO:0015229.

Submission:

Labcorp Genetics (formerly Invitae), Labcorp
Classification: Uncertain significance for Bardet-Biedl syndrome. Last evaluated: 2022-05-29. Review status: criteria provided, single submitter. Criteria: Invitae Variant Classification Sherloc (09022015). Collection method: clinical testing. Allele origin: germline.
Comment: This sequence change replaces threonine, which is neutral and polar, with serine, which is neutral and polar, at codon 202 of the BBS1 protein (p.Thr202Ser). This variant is not present in population databases (gnomAD no frequency). This variant has not been reported in the literature in individuals affected with BBS1-related conditions. Algorithms developed to predict the effect of missense changes on protein structure and function (SIFT, PolyPhen-2, Align-GVGD) all suggest that this variant is likely to be tolerated. In summary, the available evidence is currently insufficient to determine the role of this variant in disease. Therefore, it has been classified as a Variant of Uncertain Significance.

NM_024649.5(BBS1):c.605C>G (p.Thr202Ser)

Gene: BBS1 (Bardet-Biedl syndrome 1; plus strand). Cytogenetic location: 11q13.2.
Variant type: single nucleotide variant.
Coding change: c.605C>G on transcript NM_024649.5 (MANE Select); coding-DNA position 605, C replaced by G.
Protein change: p.Thr202Ser; replaces threonine 202 with serine.
Molecular consequence: missense variant.
Genome position (GRCh38, 1-based): chr11:66,519,630, C>G. VCF-style: chr11-66519630-C-G. GRCh37 (hg19) VCF-style: chr11-66287101-C-G.
Other names: short protein forms T202S.
Identifiers: ClinVar variation 2000764 (VCV002000764.4), dbSNP rs770503958, ClinGen allele CA381458629.